The following is an entry in ClinVar:

NM_001145809.2(MYH14):c.5599C>T (p.Arg1867Cys)

Gene: MYH14 (myosin heavy chain 14; plus strand). Cytogenetic location: 19q13.33.
Variant type: single nucleotide variant.
Coding change: c.5599C>T on transcript NM_001145809.2 (MANE Select); coding-DNA position 5599, C replaced by T.
Protein change: p.Arg1867Cys; replaces arginine 1867 with cysteine.
Molecular consequence: missense variant.
Genome position (GRCh38, 1-based): chr19:50,301,790, C>T. VCF-style: chr19-50301790-C-T. GRCh37 (hg19) VCF-style: chr19-50805047-C-T.
Other names: c.5500C>T, p.Arg1834Cys (NM_001077186.2); c.5476C>T, p.Arg1826Cys (NM_024729.4); short protein forms R1867C, R1826C, R1834C.
Identifiers: ClinVar variation 329949 (VCV000329949.14), dbSNP rs187789045, ClinGen allele CA9593855.
Genomic context (GRCh38, chr19:50,301,790, plus strand): 5'-CAGCTGGAACGGCAGATCCAGGAGCTACGGGGACGCCTGGGTGAGGAGGATGCTGGGGCC[C>T]GTGCCCGCCACAAGATGACCATTGCTGCCCTTGAGTCTAAGTTGGCCCAGGCTGAGGAGC-3'
Protein context (NP_001139281.1, residues 1857-1877): GRLGEEDAGA[Arg1867Cys]ARHKMTIAAL

ClinVar aggregate classification (germline): Conflicting classifications of pathogenicity. Review status: criteria provided, conflicting classifications (1 of 4 stars). 5 submissions from 5 submitters: Uncertain significance (2); Likely benign (3). Last evaluated 2025-11-06.

Conditions:
Autosomal dominant nonsyndromic hearing loss 4A. Also called: Deafness, autosomal dominant 4A. Identifiers: Orphanet 90635, MedGen C1833503, MONDO:0010915, OMIM 600652.
MYH14-related disorder. Also called: MYH14-related condition.

Allele frequency attached by ClinVar (database versions not stated): 1000 Genomes Project 30x 0.00016; 1000 Genomes Project 0.00020; gnomAD 0.00029.
gnomAD v4.1: 112 of 1,612,504 alleles (0.0069%); highest among the groups gnomAD compares: East Asian, 0.15%; no homozygotes.

Submissions (5):

PreventionGenetics, part of Exact Sciences
Classification: Likely benign for MYH14-related condition. Last evaluated: 2025-11-06. Review status: criteria provided, single submitter. Criteria: ACMG Guidelines, 2015. Collection method: clinical testing. Allele origin: germline.
Comment: This variant is classified as likely benign based on ACMG/AMP sequence variant interpretation guidelines (Richards et al. 2015 PMID: 25741868, with internal and published modifications).

Labcorp Genetics (formerly Invitae), Labcorp
Classification: Likely benign. Last evaluated: 2023-05-19. Review status: criteria provided, single submitter. Criteria: Invitae Variant Classification Sherloc (09022015). Collection method: clinical testing. Allele origin: germline.

GeneDx
Classification: Uncertain significance. Last evaluated: 2020-11-30. Review status: criteria provided, single submitter. Criteria: GeneDx Variant Classification Process June 2021. Collection method: clinical testing. Allele origin: germline. Affected: yes.
Comment: In silico analysis, which includes protein predictors and evolutionary conservation, supports a deleterious effect; Has not been previously published as pathogenic or benign to our knowledge; This variant is associated with the following publications: (PMID: 33229591)

Illumina Laboratory Services, Illumina
Classification: Likely benign for Autosomal dominant nonsyndromic hearing loss 4A. Last evaluated: 2018-01-12. Review status: criteria provided, single submitter. Criteria: ICSL Variant Classification Criteria 13 December 2019. Collection method: clinical testing. Allele origin: germline.
Comment: This variant was observed in the ICSL laboratory as part of a predisposition screen in an ostensibly healthy population. It had not been previously curated by ICSL or reported in the Human Gene Mutation Database (HGMD: prior to June 1st, 2018), and was therefore a candidate for classification through an automated scoring system. Utilizing variant allele frequency, disease prevalence and penetrance estimates, and inheritance mode, an automated score was calculated to assess if this variant is too frequent to cause the disease. Based on the score and internal cut-off values, a variant classified as likely benign is not then subjected to further curation. The score for this variant resulted in a classification of likely benign for this disease.

Laboratory for Molecular Medicine, Mass General Brigham Personalized Medicine
Classification: Uncertain significance. Last evaluated: 2016-04-12. Review status: criteria provided, single submitter. Criteria: LMM Criteria. Collection method: clinical testing. Allele origin: germline. Observed: 4 variant alleles.
Comment: The p.Arg1867Cys variant in MYH14 has not been previously reported in individual s with hearing loss, but has been identified in 0.2% (15/8434) of East Asian chr omosomes by the Exome Aggregation Consortium (ExAC, rg; dbSNP rs187789045). Although this variant has been seen in the general popul ation, its frequency is not high enough to rule out a pathogenic role. Computati onal prediction tools and conservation analysis suggest that the p.Arg1867Cys va riant may impact the protein, though this information is not predictive enough t o determine pathogenicity. In summary, the clinical significance of the p.Arg186 7Cys variant is uncertain.